The following is an entry in ClinVar:

ClinVar aggregate classification (germline): Conflicting classifications of pathogenicity. Review status: criteria provided, conflicting classifications (1 of 4 stars). 2 submissions from 2 submitters: Uncertain significance (1); Likely benign (1). Last evaluated 2025-02-02.

Allele frequency attached by ClinVar (database versions not stated): gnomAD 0.00001; ExAC 0.00002; TOPMed 0.00002.
gnomAD v4.1: 13 of 1,613,974 alleles (0.00081%); highest among the groups gnomAD compares: Admixed American, 0.012%; no homozygotes.

Submissions (2):

Labcorp Genetics (formerly Invitae), Labcorp
Classification: Uncertain significance. Last evaluated: 2025-02-02. Review status: criteria provided, single submitter. Criteria: Invitae Variant Classification Sherloc (09022015). Collection method: clinical testing. Allele origin: germline.
Comment: This sequence change replaces alanine, which is neutral and non-polar, with valine, which is neutral and non-polar, at codon 1120 of the NIN protein (p.Ala1120Val). This variant is present in population databases (rs375931384, gnomAD 0.009%). This variant has not been reported in the literature in individuals affected with NIN-related conditions. ClinVar contains an entry for this variant (Variation ID: 2419526). An algorithm developed to predict the effect of missense changes on protein structure and function outputs the following: PolyPhen-2: "Benign". The valine amino acid residue is found in multiple mammalian species, which suggests that this missense change does not adversely affect protein function. In summary, the available evidence is currently insufficient to determine the role of this variant in disease. Therefore, it has been classified as a Variant of Uncertain Significance.

Ambry Genetics
Classification: Likely benign. Last evaluated: 2024-08-02. Review status: criteria provided, single submitter. Criteria: Ambry Variant Classification Scheme 2023. Collection method: clinical testing. Allele origin: germline.

NM_020921.4(NIN):c.3359C>T (p.Ala1120Val)

Gene: NIN (ninein; minus strand). Cytogenetic location: 14q22.1.
Variant type: single nucleotide variant.
Coding change: c.3359C>T on transcript NM_020921.4 (MANE Select); coding-DNA position 3359, C replaced by T.
Protein change: p.Ala1120Val; replaces alanine 1120 with valine.
Molecular consequence: missense variant. On other transcripts: intron variant (1).
Genome position (GRCh38, 1-based): chr14:50,757,671, G>A on the plus strand (C>T on the coding strand, the complement: NIN is on the minus strand). VCF-style: chr14-50757671-G-A. GRCh37 (hg19) VCF-style: chr14-51224389-G-A.
Other names: c.3359C>T, p.Ala1120Val (NM_182944.3, NM_182946.2); c.2399+2186C>T (NM_016350.5); c.3359C>T (NM_020921.3); short protein forms A1120V.
Identifiers: ClinVar variation 2419526 (VCV002419526.7), dbSNP rs375931384, ClinGen allele CA7181756.